The following is an entry in ClinVar:

ClinVar aggregate classification (germline): Pathogenic. Review status: criteria provided, multiple submitters, no conflicts (2 of 4 stars). 3 submissions from 3 submitters: Pathogenic (2). 1 of the submissions does not count toward it. Last evaluated 2024-10-22.

Conditions:
USH2A-related disorder. Also called: USH2A-related condition; USH2A-related disorders. Identifiers: MedGen CN239332.
Usher syndrome type 2A. Also called: USHER SYNDROME, TYPE IIA; RETINAL DISEASE IN USHER SYNDROME TYPE IIA, MODIFIER OF. Identifiers: Orphanet 231178, Orphanet 886, MedGen C1848634, MONDO:0010169, OMIM 276901.

Allele frequency attached by ClinVar (database versions not stated): gnomAD 0.00002; TOPMed 0.00002.
gnomAD v4.1: 3 of 1,613,236 alleles (0.00019%); highest among the groups gnomAD compares: African/African-American, 0.004%; no homozygotes.

Submissions (3):

Labcorp Genetics (formerly Invitae), Labcorp
Classification: Pathogenic. Last evaluated: 2024-10-22. Review status: criteria provided, single submitter. Criteria: Invitae Variant Classification Sherloc (09022015). Collection method: clinical testing. Allele origin: germline.
Comment: This sequence change affects an acceptor splice site in intron 65 of the USH2A gene. It is expected to disrupt RNA splicing. Variants that disrupt the donor or acceptor splice site typically lead to a loss of protein function (PMID: 16199547), and loss-of-function variants in USH2A are known to be pathogenic (PMID: 10729113, 10909849, 20507924, 25649381). This variant is present in population databases (no rsID available, gnomAD 0.01%). Disruption of this splice site has been observed in individuals with USH2A-related conditions (internal data). ClinVar contains an entry for this variant (Variation ID: 970457). Algorithms developed to predict the effect of sequence changes on RNA splicing suggest that this variant may disrupt the consensus splice site. For these reasons, this variant has been classified as Pathogenic.

Blueprint Genetics
Classification: Pathogenic for USH2A-related disorders. Last evaluated: 2021-09-06. Review status: criteria provided, single submitter. Criteria: ACMG Guidelines, 2015. Collection method: clinical testing. Allele origin: germline. Affected: yes. Observed: 2 variant alleles.

Natera, Inc.
Classification: Likely pathogenic for Usher syndrome type 2A. Last evaluated: 2020-01-27. Review status: no assertion criteria provided. Collection method: clinical testing. Allele origin: germline. Not counted in ClinVar's aggregate classification.

Literature cited by the submitters: PubMed 16199547 (cited by Labcorp Genetics (formerly Invitae), Labcorp); PubMed 10729113 (cited by Labcorp Genetics (formerly Invitae), Labcorp); PubMed 10909849 (cited by Labcorp Genetics (formerly Invitae), Labcorp); PubMed 20507924 (cited by Labcorp Genetics (formerly Invitae), Labcorp); PubMed 25649381 (cited by Labcorp Genetics (formerly Invitae), Labcorp).

NM_206933.4(USH2A):c.14344-1G>T

Gene: USH2A (usherin; minus strand). Cytogenetic location: 1q41.
Variant type: single nucleotide variant.
Coding change: c.14344-1G>T on transcript NM_206933.4 (MANE Select); the canonical splice acceptor site of the intron before coding-DNA position 14344, G replaced by T.
Molecular consequence: splice acceptor variant.
Genome position (GRCh38, 1-based): chr1:215,648,767, C>A on the plus strand (G>T on the coding strand, the complement: USH2A is on the minus strand). VCF-style: chr1-215648767-C-A. GRCh37 (hg19) VCF-style: chr1-215822109-C-A.
Identifiers: ClinVar variation 970457 (VCV000970457.10), dbSNP rs919142559, ClinGen allele CA37390554.
Genomic context (GRCh38, chr1:215,648,767, plus strand): 5'-GTAGTTAGTGAAGGCTTGAAGGCCATGGAGAGTCTGCTGGGTGGCCATGCCTTCGGATAG[C>A]TGTGGAAGGAAGGAAGGCTAGATAAAGGCAGTGTCAAACATTAAAGGTGTTTGATGAATG-3'